The following is an entry in ClinVar:

ClinVar aggregate classification (germline): Likely pathogenic (1 of 4 stars; one submission).

Conditions:
Severe combined immunodeficiency disease. Also called: Severe Combined Immune Deficiency; Severe combined immunodeficiency. Identifiers: Orphanet 183660, MedGen C0085110, MeSH D016511, MONDO:0015974, HP:0004430. Inheritance: X-Linked or Autosomal recessive.

Submission:

Women's Health and Genetics/Laboratory Corporation of America, LabCorp
Classification: Likely pathogenic for Severe combined immunodeficiency disease. Last evaluated: 2025-05-27. Review status: criteria provided, single submitter. Criteria: LabCorp Variant Classification Summary - May 2015. Collection method: clinical testing. Allele origin: germline.
Comment: Variant summary: AK2 c.330+1G>C is located in a canonical splice-site and is predicted to affect mRNA splicing resulting in a significantly altered protein due to either exon skipping, shortening, or inclusion of intronic material. Variants that disrupt the consensus splice site are a relatively common cause of aberrant splicing and loss of AK2 function. Several computational tools predict a significant impact on normal splicing: Four predict the variant abolishes a 5' splicing donor site. However, these predictions have yet to be confirmed by functional studies. The variant was absent in 251312 control chromosomes. c.330+1G>C has been observed in a compound heterozygous individual affected with Severe Combined Immunodeficiency (Janardan_2021). To our knowledge, no experimental evidence demonstrating an impact on protein function has been reported. The following publication has been ascertained in the context of this evaluation (PMID: 34814161). ClinVar contains an entry for this variant (Variation ID: 1027623). Based on the evidence outlined above, the variant was classified as likely pathogenic.

Literature cited by the submitters: PubMed 34814161.

NM_001625.4(AK2):c.330+1G>C

Gene: AK2 (adenylate kinase 2; minus strand). Cytogenetic location: 1p35.1.
Variant type: single nucleotide variant.
Coding change: c.330+1G>C on transcript NM_001625.4 (MANE Select); the canonical splice donor site of the intron after coding-DNA position 330, G replaced by C.
Molecular consequence: splice donor variant.
Genome position (GRCh38, 1-based): chr1:33,021,592, C>G on the plus strand (G>C on the coding strand, the complement: AK2 is on the minus strand). VCF-style: chr1-33021592-C-G. GRCh37 (hg19) VCF-style: chr1-33487193-C-G.
Other names: c.330+1G>C (NM_013411.5, NM_001319143.2, NM_001199199.3 and 1 more transcripts); c.204+1G>C (NM_001319142.3); c.186+1G>C (NM_001319139.3, NM_001319140.2).
Identifiers: ClinVar variation 1027623 (VCV001027623.4), dbSNP rs1639559794, ClinGen allele CA339702181.